The following is an entry in ClinVar:

NM_005228.5(EGFR):c.165C>A (p.Phe55Leu)

Gene: EGFR (epidermal growth factor receptor; plus strand). Cytogenetic location: 7p11.2.
Variant type: single nucleotide variant.
Coding change: c.165C>A on transcript NM_005228.5 (MANE Select); coding-DNA position 165, C replaced by A.
Protein change: p.Phe55Leu; replaces phenylalanine 55 with leucine.
Molecular consequence: missense variant. On other transcripts: intron variant (1).
Genome position (GRCh38, 1-based): chr7:55,142,362, C>A. VCF-style: chr7-55142362-C-A. GRCh37 (hg19) VCF-style: chr7-55210055-C-A.
Other names: c.165C>A, p.Phe55Leu (NM_001346897.2, NM_001346898.2, NM_001346899.2 and 3 more transcripts); c.6C>A, p.Phe2Leu (NM_001346900.2); c.89-13468C>A (NM_001346941.2); short protein forms F2L, F55L.
Identifiers: ClinVar variation 5035745 (VCV005035745.1).

ClinVar aggregate classification (germline): Uncertain significance (1 of 4 stars; one submission).

Conditions:
Hereditary cancer-predisposing syndrome. Also called: Hereditary Cancer Syndrome; Neoplastic Syndromes, Hereditary; Tumor predisposition; Hereditary neoplastic syndrome. Identifiers: Orphanet 140162, MedGen C0027672, MeSH D009386, MONDO:0015356.

Submission:

Ambry Genetics
Classification: Uncertain significance for Hereditary cancer-predisposing syndrome. Last evaluated: 2026-06-24. Review status: criteria provided, single submitter. Criteria: Ambry Variant Classification Scheme 2023. Collection method: clinical testing. Allele origin: germline.
Comment: The p.F55L variant (also known as c.165C>A), located in coding exon 2 of the EGFR gene, results from a C to A substitution at nucleotide position 165. The phenylalanine at codon 55 is replaced by leucine, an amino acid with highly similar properties. This amino acid position is not well conserved in available vertebrate species. In addition, this alteration is predicted to be tolerated by in silico analysis. Based on the available evidence, the clinical significance of this variant remains unclear.